The following is an entry in ClinVar:

NM_005188.4(CBL):c.1937C>T (p.Ser646Phe)

Gene: CBL (Cbl proto-oncogene; plus strand). Cytogenetic location: 11q23.3.
Variant type: single nucleotide variant.
Coding change: c.1937C>T on transcript NM_005188.4 (MANE Select); coding-DNA position 1937, C replaced by T.
Protein change: p.Ser646Phe; replaces serine 646 with phenylalanine.
Molecular consequence: missense variant.
Genome position (GRCh38, 1-based): chr11:119,285,562, C>T. VCF-style: chr11-119285562-C-T. GRCh37 (hg19) VCF-style: chr11-119156272-C-T.
Other names: c.1937C>T (NM_005188.2); short protein forms S646F.
Identifiers: ClinVar variation 2766358 (VCV002766358.4), dbSNP rs2135311064, ClinGen allele CA382921046.
Genomic context (GRCh38, chr11:119,285,562, plus strand): 5'-CACAAATGGAGCCCAGACCAGATGTGCCTAGGCTCGGAAGCACGTTCAGTCTGGATACCT[C>T]CATGGTGAGTCTTAATTTTGAAACTATCTAACCTGTTAAGAAATATGTGTGGGCCAGGCA-3'
Protein context (NP_005179.2, residues 636-656): RLGSTFSLDT[Ser646Phe]MSMNSSPLVG

ClinVar aggregate classification (germline): Uncertain significance. Review status: criteria provided, multiple submitters, no conflicts (2 of 4 stars). 2 submissions from 2 submitters: Uncertain significance (2). Last evaluated 2026-08-23.

Conditions:
RASopathy. Also called: Noonan spectrum disorder; rasopathies. Identifiers: Orphanet 536391, MedGen C5555857, MONDO:0021060.
Cardiovascular phenotype. Identifiers: MedGen CN230736.

Submissions (2):

Ambry Genetics
Classification: Uncertain significance for Cardiovascular phenotype. Last evaluated: 2026-08-23. Review status: criteria provided, single submitter. Criteria: Ambry Variant Classification Scheme 2023. Collection method: clinical testing. Allele origin: germline.
Comment: The p.S646F variant (also known as c.1937C>T), located in coding exon 11 of the CBL gene, results from a C to T substitution at nucleotide position 1937. The serine at codon 646 is replaced by phenylalanine, an amino acid with highly dissimilar properties. This amino acid position is conserved. In addition, this alteration is predicted to be tolerated by in silico analysis. Based on the available evidence, the clinical significance of this variant remains unclear.

Labcorp Genetics (formerly Invitae), Labcorp
Classification: Uncertain significance for RASopathy. Last evaluated: 2023-10-06. Review status: criteria provided, single submitter. Criteria: Invitae Variant Classification Sherloc (09022015). Collection method: clinical testing. Allele origin: germline.
Comment: This sequence change replaces serine, which is neutral and polar, with phenylalanine, which is neutral and non-polar, at codon 646 of the CBL protein (p.Ser646Phe). This variant is not present in population databases (gnomAD no frequency). This variant has not been reported in the literature in individuals affected with CBL-related conditions. Advanced modeling of protein sequence and biophysical properties (such as structural, functional, and spatial information, amino acid conservation, physicochemical variation, residue mobility, and thermodynamic stability) performed at Invitae indicates that this missense variant is not expected to disrupt CBL protein function. In summary, the available evidence is currently insufficient to determine the role of this variant in disease. Therefore, it has been classified as a Variant of Uncertain Significance.